The following is an entry in ClinVar:

ClinVar aggregate classification (germline): Likely pathogenic (1 of 4 stars; one submission).

Conditions:
Cornelia de Lange syndrome 1 (CDLS1). Also called: TYPUS DEGENERATIVUS AMSTELODAMENSIS; NIPBL-Related Cornelia de Lange Syndrome; Brachmann de Lange syndrome. Identifiers: Orphanet 199, MedGen C4551851, MONDO:0007387, OMIM 122470.

Submission:

Labcorp Genetics (formerly Invitae), Labcorp
Classification: Likely pathogenic for Cornelia de Lange syndrome 1. Last evaluated: 2018-06-26. Review status: criteria provided, single submitter. Criteria: Invitae Variant Classification Sherloc (09022015). Collection method: clinical testing. Allele origin: germline.
Comment: In summary, the currently available evidence indicates that the variant is pathogenic, but additional data are needed to prove that conclusively. Therefore, this variant has been classified as Likely Pathogenic. Donor and acceptor splice site variants typically lead to a loss of protein function (PMID: 16199547), and loss-of-function variants in NIPBL are known to be pathogenic (PMID: 24038889). Algorithms developed to predict the effect of sequence changes on RNA splicing suggest that this variant may disrupt the consensus splice site, but this prediction has not been confirmed by published transcriptional studies. This variant is not present in population databases (ExAC no frequency). This sequence change affects an acceptor splice site in intron 25 of the NIPBL gene. It is expected to disrupt RNA splicing and likely results in an absent or disrupted protein product.

Literature cited by the submitters: PubMed 16199547; PubMed 24038889.

NM_133433.4(NIPBL):c.5011-1G>C

Gene: NIPBL (NIPBL cohesin loading factor; plus strand). Cytogenetic location: 5p13.2.
Variant type: single nucleotide variant.
Coding change: c.5011-1G>C on transcript NM_133433.4 (MANE Select); the canonical splice acceptor site of the intron before coding-DNA position 5011, G replaced by C.
Molecular consequence: splice acceptor variant.
Genome position (GRCh38, 1-based): chr5:37,020,458, G>C. VCF-style: chr5-37020458-G-C. GRCh37 (hg19) VCF-style: chr5-37020560-G-C.
Other names: c.5011-1G>C (NM_015384.5).
Identifiers: ClinVar variation 583371 (VCV000583371.9), dbSNP rs1561169166, ClinGen allele CA359486210.